The following is an entry in ClinVar:

ClinVar aggregate classification (germline): Uncertain significance. Review status: criteria provided, multiple submitters, no conflicts (2 of 4 stars). 3 submissions from 3 submitters: Uncertain significance (3). Last evaluated 2026-05-15.

Conditions:
Hereditary cancer-predisposing syndrome. Also called: Tumor predisposition; Neoplastic Syndromes, Hereditary; Hereditary Cancer Syndrome; Hereditary neoplastic syndrome. Identifiers: Orphanet 140162, MedGen C0027672, MeSH D009386, MONDO:0015356.
Multiple endocrine neoplasia, type 2 (MEN2). Identifiers: Orphanet 653, MedGen C4048306, MONDO:0019003. Disease mechanism: gain of function.

Submissions (3):

Ambry Genetics
Classification: Uncertain significance for Hereditary cancer-predisposing syndrome. Last evaluated: 2026-05-15. Review status: criteria provided, single submitter. Criteria: Ambry Variant Classification Scheme 2023. Collection method: clinical testing. Allele origin: germline.
Comment: The c.2939+3G>A intronic variant results from a G to A substitution 3 nucleotides after coding exon 17 in the RET gene. This nucleotide position is not well conserved in available vertebrate species. In silico splice site analysis predicts that this alteration will not have any significant effect on splicing. Based on the available evidence, the clinical significance of this variant remains unclear.

Color Diagnostics, LLC DBA Color Health
Classification: Uncertain significance for Multiple endocrine neoplasia, type 2. Last evaluated: 2025-08-25. Review status: criteria provided, single submitter. Criteria: ACMG Guidelines, 2015. Collection method: clinical testing. Allele origin: germline.
Comment: This variant causes a G to A nucleotide substitution at the +3 position of intron 17/19 of the RET gene. To our knowledge, functional studies have not been reported for this variant. This variant has not been reported in individuals affected with RET-related disorders in the literature. This variant has not been identified in the general population by the Genome Aggregation Database (gnomAD). The available evidence is insufficient to determine the role of this variant in disease conclusively. Therefore, this variant is classified as a Variant of Uncertain Significance.

Labcorp Genetics (formerly Invitae), Labcorp
Classification: Uncertain significance for Multiple endocrine neoplasia, type 2. Last evaluated: 2025-01-12. Review status: criteria provided, single submitter. Criteria: Invitae Variant Classification Sherloc (09022015). Collection method: clinical testing. Allele origin: germline.
Comment: This sequence change falls in intron 17 of the RET gene. It does not directly change the encoded amino acid sequence of the RET protein. It affects a nucleotide within the consensus splice site. This variant is not present in population databases (gnomAD no frequency). This variant has not been reported in the literature in individuals affected with RET-related conditions. ClinVar contains an entry for this variant (Variation ID: 1508912). Variants that disrupt the consensus splice site are a relatively common cause of aberrant splicing (PMID: 17576681, 9536098). Algorithms developed to predict the effect of sequence changes on RNA splicing suggest that this variant is not likely to affect RNA splicing. In summary, the available evidence is currently insufficient to determine the role of this variant in disease. Therefore, it has been classified as a Variant of Uncertain Significance.

Literature cited by the submitters: PubMed 17576681 (cited by Labcorp Genetics (formerly Invitae), Labcorp); PubMed 9536098 (cited by Labcorp Genetics (formerly Invitae), Labcorp).

NM_020975.6(RET):c.2939+3G>A

Gene: RET (ret proto-oncogene; plus strand). Cytogenetic location: 10q11.21.
Variant type: single nucleotide variant.
Coding change: c.2939+3G>A on transcript NM_020975.6 (MANE Select); 3 bases into the intron after coding-DNA position 2939, G replaced by A.
Molecular consequence: intron variant.
Genome position (GRCh38, 1-based): chr10:43,123,811, G>A. VCF-style: chr10-43123811-G-A. GRCh37 (hg19) VCF-style: chr10-43619259-G-A.
Other names: c.2939+3G>A (NM_020630.7, NM_001406743.1, NM_001406744.1 and 3 more transcripts); c.2804+3G>A (NM_001406765.1, NM_001406763.1); c.2543+3G>A (NM_001406772.1, NM_001406769.1); c.2501+3G>A (NM_001406773.1, NM_001406771.1); c.2042+3G>A (NM_001406782.1, NM_001406780.1, NM_001406779.1 and 1 more transcripts); c.1907+3G>A (NM_001406787.1); c.1922+3G>A (NM_001406785.1); c.2810+3G>A (NM_001406764.1, NM_001406762.1, NM_001406761.1); and 10 more.
Identifiers: ClinVar variation 1508912 (VCV001508912.9), dbSNP rs2133007253, ClinGen allele CA2573145068.